The following is an entry in ClinVar:

NM_001271.4(CHD2):c.5413C>T (p.His1805Tyr)

Gene: CHD2 (chromodomain helicase DNA binding protein 2; plus strand). Cytogenetic location: 15q26.1.
Variant type: single nucleotide variant.
Coding change: c.5413C>T on transcript NM_001271.4 (MANE Select); coding-DNA position 5413, C replaced by T.
Protein change: p.His1805Tyr; replaces histidine 1805 with tyrosine.
Molecular consequence: missense variant.
Genome position (GRCh38, 1-based): chr15:93,024,631, C>T. VCF-style: chr15-93024631-C-T. GRCh37 (hg19) VCF-style: chr15-93567861-C-T.
Other names: short protein forms H1805Y.
Identifiers: ClinVar variation 1429293 (VCV001429293.8), dbSNP rs2141761768, ClinGen allele CA393908728.

ClinVar aggregate classification (germline): Uncertain significance (1 of 4 stars; one submission).

Conditions:
Developmental and epileptic encephalopathy 94 (DEE94). Also called: CHD2-Related Neurodevelopmental Disorders; Epileptic encephalopathy, childhood-onset. Identifiers: Orphanet 1942, Orphanet 2382, MedGen C3809278, MONDO:0014150, OMIM 615369.

Allele frequency attached by ClinVar (database versions not stated): gnomAD exomes 0.00002.
gnomAD v4.1: 27 of 1,614,200 alleles (0.0017%); highest among the groups gnomAD compares: Non-Finnish European, 0.0023%; no homozygotes.

Submission:

Labcorp Genetics (formerly Invitae), Labcorp
Classification: Uncertain significance for Developmental and epileptic encephalopathy 94. Last evaluated: 2022-09-13. Review status: criteria provided, single submitter. Criteria: Invitae Variant Classification Sherloc (09022015). Collection method: clinical testing. Allele origin: germline.
Comment: In summary, the available evidence is currently insufficient to determine the role of this variant in disease. Therefore, it has been classified as a Variant of Uncertain Significance. Advanced modeling of protein sequence and biophysical properties (such as structural, functional, and spatial information, amino acid conservation, physicochemical variation, residue mobility, and thermodynamic stability) performed at Invitae indicates that this missense variant is not expected to disrupt CHD2 protein function. ClinVar contains an entry for this variant (Variation ID: 1429293). This variant has not been reported in the literature in individuals affected with CHD2-related conditions. This variant is not present in population databases (gnomAD no frequency). This sequence change replaces histidine, which is basic and polar, with tyrosine, which is neutral and polar, at codon 1805 of the CHD2 protein (p.His1805Tyr).